The following is an entry in ClinVar:

NM_001365276.2(TNXB):c.3781C>T (p.Gln1261Ter)

Gene: TNXB (tenascin XB; minus strand). Cytogenetic location: 6p21.33.
Variant type: single nucleotide variant.
Coding change: c.3781C>T on transcript NM_001365276.2 (MANE Select); coding-DNA position 3781, C replaced by T.
Protein change: p.Gln1261Ter; replaces glutamine 1261 with a stop codon.
Molecular consequence: nonsense.
Genome position (GRCh38, 1-based): chr6:32,081,629, G>A on the plus strand (C>T on the coding strand, the complement: TNXB is on the minus strand). VCF-style: chr6-32081629-G-A. GRCh37 (hg19) VCF-style: chr6-32049406-G-A.
Other names: c.4522C>T, p.Gln1508Ter (NM_001428335.1); c.3781C>T, p.Gln1261Ter (NM_019105.8); short protein forms Q1261*, Q1508*.
Identifiers: ClinVar variation 4845699 (VCV004845699.1).
Genomic context (GRCh38, chr6:32,081,629, plus strand): 5'-ATGAGAGACGCAAGGAGTCTGGGGTCACGCCGGTCACTGTCAGTTCCCCCAGGAGGGGCT[G>A]CTCCAGGAACTCAGGGCGGGGGGGCTCCTCTTTCCTCTCTGGAGCTGTAAACAAGGAGAT-3'

ClinVar aggregate classification (germline): Likely pathogenic (1 of 4 stars; one submission).

Conditions:
Ehlers-Danlos syndrome due to tenascin-X deficiency (EDSCLL1). Also called: EHLERS-DANLOS SYNDROME, CLASSIC-LIKE; Ehlers-Danlos syndrome, classic-like, 1; TNXB-Related Classical-Like Ehlers-Danlos Syndrome; EDS DUE TO TNX DEFICIENCY; TNX DEFICIENCY. Identifiers: Orphanet 230839, MedGen C1848029, MONDO:0011670, OMIM 606408.

gnomAD v4.1: 1 of 1,598,604 alleles (0.000063%); highest among the groups gnomAD compares: South Asian, 0.0011%; no homozygotes.

Submission:

First Genomix Gene Laboratory, Genetic Diagnostics Department
Classification: Likely pathogenic for Ehlers-Danlos syndrome due to tenascin-X deficiency. Last evaluated: 2025-01-17. Review status: criteria provided, single submitter. Criteria: ACMG Guidelines, 2015. Collection method: clinical testing. Allele origin: germline. Inheritance: Autosomal recessive inheritance. Affected: no. Observed: 1 variant allele.